The following is an entry in ClinVar:

ClinVar aggregate classification (germline): Uncertain significance. Review status: criteria provided, multiple submitters, no conflicts (2 of 4 stars). 2 submissions from 2 submitters: Uncertain significance (2). Last evaluated 2023-12-21.

Conditions:
Inborn genetic diseases. Identifiers: MedGen C0950123, MeSH D030342.

Allele frequency attached by ClinVar (database versions not stated): ExAC 0.00003; gnomAD exomes 0.00005; gnomAD 0.00006; TOPMed 0.00012; 1000 Genomes Project 0.00020; 1000 Genomes Project 30x 0.00047.
gnomAD v4.1: 78 of 1,613,610 alleles (0.0048%); highest among the groups gnomAD compares: East Asian, 0.051%; no homozygotes.

Submissions (2):

Ambry Genetics
Classification: Uncertain significance for Inborn genetic diseases. Last evaluated: 2023-12-21. Review status: criteria provided, single submitter. Criteria: Ambry Variant Classification Scheme 2023. Collection method: clinical testing. Allele origin: germline.

Labcorp Genetics (formerly Invitae), Labcorp
Classification: Uncertain significance. Last evaluated: 2022-06-01. Review status: criteria provided, single submitter. Criteria: Invitae Variant Classification Sherloc (09022015). Collection method: clinical testing. Allele origin: germline.
Comment: This sequence change replaces valine, which is neutral and non-polar, with isoleucine, which is neutral and non-polar, at codon 805 of the POP1 protein (p.Val805Ile). This variant is present in population databases (rs556256778, gnomAD 0.03%). This variant has not been reported in the literature in individuals affected with POP1-related conditions. Algorithms developed to predict the effect of missense changes on protein structure and function are either unavailable or do not agree on the potential impact of this missense change (SIFT: "Tolerated"; PolyPhen-2: "Possibly Damaging"; Align-GVGD: "Class C0"). In summary, the available evidence is currently insufficient to determine the role of this variant in disease. Therefore, it has been classified as a Variant of Uncertain Significance.

NM_001145860.2(POP1):c.2413G>A (p.Val805Ile)

Gene: POP1 (POP1 homolog, ribonuclease P/MRP subunit; plus strand). Cytogenetic location: 8q22.2.
Variant type: single nucleotide variant.
Coding change: c.2413G>A on transcript NM_001145860.2 (MANE Select); coding-DNA position 2413, G replaced by A.
Protein change: p.Val805Ile; replaces valine 805 with isoleucine.
Molecular consequence: missense variant.
Genome position (GRCh38, 1-based): chr8:98,156,405, G>A. VCF-style: chr8-98156405-G-A. GRCh37 (hg19) VCF-style: chr8-99168633-G-A.
Other names: c.2413G>A, p.Val805Ile (NM_001145861.2, NM_015029.3); c.2413G>A (NM_015029.2); short protein forms V805I.
Identifiers: ClinVar variation 1973174 (VCV001973174.3), dbSNP rs556256778, ClinGen allele CA4820820.